The following is an entry in ClinVar:

ClinVar aggregate classification (germline): Pathogenic/Likely pathogenic. Review status: criteria provided, multiple submitters, no conflicts (2 of 4 stars). 10 submissions from 10 submitters: Pathogenic (5); Likely pathogenic (3). 2 of the submissions do not count toward it. Last evaluated 2026-01-28.

Conditions:
Fanconi anemia (FA). Also called: Fanconi's anemia. Identifiers: Orphanet 84, MedGen C0015625, MeSH D005199, MONDO:0019391.
Fanconi anemia complementation group A (FANCA). Also called: FANCA-Related Fanconi Anemia; Fanconi anemia, group A. Identifiers: Orphanet 84, MedGen C3469521, MONDO:0009215, OMIM 227650.

Allele frequency attached by ClinVar (database versions not stated): gnomAD exomes 0.00002 and 0.00006; TOPMed 0.00003; ExAC 0.00004; gnomAD 0.00005 and 0.00006; ESP Exome Variant Server 0.00008.
gnomAD v4.1: 92 of 1,555,222 alleles (0.0059%); highest among the groups gnomAD compares: Non-Finnish European, 0.0078%; no homozygotes.

Submissions (10):

Natera, Inc.
Classification: Pathogenic for Fanconi anemia. Last evaluated: 2026-01-28. Review status: criteria provided, single submitter. Criteria: Natera Variant Classification Schema (03/2026). Collection method: clinical testing. Allele origin: germline.
Comment: The c.3349A>G variant in FANCA is a missense variant predicted to cause substitution of arginine to glycine at amino acid 1117. This variant is rare in the general population with a frequency below the threshold expected for the associated phenotype(s). This variant has been observed in one or more individuals affected with the associated recessive disease, as either homozygous or compound heterozygous with a second variant (PMID: 29098742). Given the available evidence, this variant is classified as Pathogenic.

Labcorp Genetics (formerly Invitae), Labcorp
Classification: Pathogenic for Fanconi anemia. Last evaluated: 2026-01-26. Review status: criteria provided, single submitter. Criteria: Invitae Variant Classification Sherloc (09022015). Collection method: clinical testing. Allele origin: germline.
Comment: This sequence change replaces arginine, which is basic and polar, with glycine, which is neutral and non-polar, at codon 1117 of the FANCA protein (p.Arg1117Gly). This variant is present in population databases (rs149277003, gnomAD 0.006%). This missense change has been observed in individuals with Fanconi anemia (PMID: 9371798, 22778927). ClinVar contains an entry for this variant (Variation ID: 219752). Invitae Evidence Modeling of protein sequence and biophysical properties (such as structural, functional, and spatial information, amino acid conservation, physicochemical variation, residue mobility, and thermodynamic stability) has been performed for this missense variant. However, the output from this modeling did not meet the statistical confidence thresholds required to predict the impact of this variant on FANCA protein function. Experimental studies have shown that this missense change affects FANCA function (PMID: 10373536, 11739169, 24349332). For these reasons, this variant has been classified as Pathogenic.

Women's Health and Genetics/Laboratory Corporation of America, LabCorp
Classification: Pathogenic for Fanconi anemia. Last evaluated: 2025-06-09. Review status: criteria provided, single submitter. Criteria: LabCorp Variant Classification Summary - May 2015. Collection method: clinical testing. Allele origin: germline.
Comment: Variant summary: FANCA c.3349A>G (p.Arg1117Gly) results in a non-conservative amino acid change in the encoded protein sequence. Algorithms developed to predict the effect of missense changes on protein structure and function all suggest that this variant is likely to be disruptive. The variant allele was found at a frequency of 2.5e-05 in 162016 control chromosomes. c.3349A>G has been observed in individual(s) affected with Fanconi Anemia (Gille_2012, Chandra_2005, Moghrabi_2009). These data indicate that the variant may be associated with disease. Experimental studies have shown that this missense change affects FANCA function (Garcia-Higuera_1999, Yagasaki_2001). A different pathogenic variant affecting the same codon has also been reported (p.Arg1117Thr). ClinVar contains an entry for this variant (Variation ID: 219752). The following publications have been ascertained in the context of this evaluation (PMID: 22778927, 16084127, 19367192, 10373536, 11739169). Based on the evidence outlined above, the variant was classified as pathogenic.

Fulgent Genetics
Classification: Likely pathogenic for Fanconi anemia complementation group A. Last evaluated: 2024-06-04. Review status: criteria provided, single submitter. Criteria: ACMG Guidelines, 2015. Collection method: clinical testing. Allele origin: germline.

Baylor Genetics
Classification: Likely pathogenic for Fanconi anemia complementation group A. Last evaluated: 2024-03-15. Review status: criteria provided, single submitter. Criteria: ACMG Guidelines, 2015. Collection method: clinical testing. Allele origin: unknown.

GeneDx
Classification: Pathogenic. Last evaluated: 2022-09-29. Review status: criteria provided, single submitter. Criteria: GeneDx Variant Classification Process June 2021. Collection method: clinical testing. Allele origin: germline. Affected: yes.
Comment: Published functional studies indicate that the variant allows FANCA mutant protein to bind FANCG in the cytoplasm but prevents translocation and accumulation in the nucleus, thereby blocking downstream events in the FA pathway (Garcia-Higuera et al., 2000; Yagasaki et al., 2001); In silico analysis, which includes protein predictors and evolutionary conservation, supports a deleterious effect; This variant is associated with the following publications: (PMID: 22778927, 10373536, 24349332, 11739169, 11050007, 30057198, 16084127, 9371798, 31970404, 28678401)

Johns Hopkins Genomics, Johns Hopkins University
Classification: Pathogenic for Fanconi anemia complementation group A. Last evaluated: 2021-06-21. Review status: criteria provided, single submitter. Criteria: ACMG Guidelines, 2015. Collection method: clinical testing. Allele origin: germline.
Comment: FANCA c.3349A>G has been identified in multiple individuals with Fanconi anemia. This FANCA variant (rs149277003) is rare (<0.1%) in a large population dataset (gnomAD: 6/193422 total alleles; 0.003%; no homozygotes) and has been reported in ClinVar (Variation ID: 219752). Functional studies have suggested that p.Arg1117Gly affects multiple aspects of FANCA function including cellular localization and in vitro single strand annealing and strand exchange. We consider FANCA c.3349A>G to be pathogenic.

Revvity Omics, Revvity
Classification: Likely pathogenic for Fanconi anemia complementation group A. Last evaluated: 2019-01-31. Review status: criteria provided, single submitter. Criteria: ACMG Guidelines, 2015. Collection method: clinical testing. Allele origin: germline.

Leiden Open Variation Database
Classification: Pathogenic for Fanconi anemia complementation group A. Last evaluated: 2020-02-28. Review status: no assertion criteria provided. Collection method: curation. Allele origin: germline. Affected: yes. Not counted in ClinVar's aggregate classification.
Comment: Curator: Arleen D. Auerbach. Submitters to LOVD: Arleen D. Auerbach, Johan de Winter, Sue Richards.

Counsyl
Classification: Likely pathogenic for Fanconi anemia complementation group A. Last evaluated: 2017-03-14. Review status: no assertion criteria provided. Collection method: clinical testing. Allele origin: unknown. Not counted in ClinVar's aggregate classification.

Literature cited by the submitters: PubMed 29098742 (cited by Natera, Inc. and Johns Hopkins Genomics, Johns Hopkins University); PubMed 9371798 (cited by Labcorp Genetics (formerly Invitae), Labcorp and Johns Hopkins Genomics, Johns Hopkins University); PubMed 22778927 (cited by 5 submitters); PubMed 10373536 (cited by 3 submitters); PubMed 11739169 (cited by 4 submitters); PubMed 24349332 (cited by Labcorp Genetics (formerly Invitae), Labcorp); PubMed 19367192 (cited by Women's Health and Genetics/Laboratory Corporation of America, LabCorp and Counsyl); PubMed 16084127 (cited by 3 submitters); PubMed 11050007 (cited by Johns Hopkins Genomics, Johns Hopkins University and Counsyl); PubMed 30057198 (cited by Johns Hopkins Genomics, Johns Hopkins University); PubMed 09371798 (cited by Leiden Open Variation Database).

NM_000135.4(FANCA):c.3349A>G (p.Arg1117Gly)

Gene: FANCA (FA complementation group A; minus strand). Cytogenetic location: 16q24.3.
Variant type: single nucleotide variant.
Coding change: c.3349A>G on transcript NM_000135.4 (MANE Select); coding-DNA position 3349, A replaced by G.
Protein change: p.Arg1117Gly; replaces arginine 1117 with glycine.
Molecular consequence: missense variant.
Genome position (GRCh38, 1-based): chr16:89,746,890, T>C on the plus strand (A>G on the coding strand, the complement: FANCA is on the minus strand). VCF-style: chr16-89746890-T-C. GRCh37 (hg19) VCF-style: chr16-89813298-T-C.
Other names: c.3349A>G, p.Arg1117Gly (NM_001286167.3); c.3349A>G (LRG_495t1, NM_000135.3); short protein forms R1117G.
Identifiers: ClinVar variation 219752 (VCV000219752.26), dbSNP rs149277003, ClinGen allele CA350699.